The following is an entry in ClinVar:

NM_006306.4(SMC1A):c.1715C>T (p.Pro572Leu)

Gene: SMC1A (structural maintenance of chromosomes 1A; minus strand). Cytogenetic location: Xp11.22.
Variant type: single nucleotide variant.
Coding change: c.1715C>T on transcript NM_006306.4 (MANE Select); coding-DNA position 1715, C replaced by T.
Protein change: p.Pro572Leu; replaces proline 572 with leucine.
Molecular consequence: missense variant.
Genome position (GRCh38, 1-based): chrX:53,405,787, G>A on the plus strand (C>T on the coding strand, the complement: SMC1A is on the minus strand). VCF-style: chrX-53405787-G-A. GRCh37 (hg19) VCF-style: chrX-53432719-G-A.
Other names: c.1649C>T, p.Pro550Leu (NM_001281463.1); short protein forms P550L, P572L.
Identifiers: ClinVar variation 1805547 (VCV001805547.1), dbSNP rs2520930054, ClinGen allele CA413253456.

ClinVar aggregate classification (germline): Likely pathogenic (1 of 4 stars; one submission).

Conditions:
Congenital muscular hypertrophy-cerebral syndrome (CDLS2). Also called: SMC1A-Related Cornelia de Lange Syndrome; Cornelia de Lange syndrome 2. Identifiers: Orphanet 199, MedGen C1802395, MONDO:0010370, OMIM 300590.

Submission:

Victorian Clinical Genetics Services, Murdoch Childrens Research Institute
Classification: Likely pathogenic for Congenital muscular hypertrophy-cerebral syndrome. Last evaluated: 2020-05-21. Review status: criteria provided, single submitter. Criteria: ACMG Guidelines, 2015. Collection method: clinical testing. Allele origin: germline. Inheritance: X-linked dominant inheritance. Affected: yes.
Comment: Based on the classification scheme VCGS_Germline_v0.6.1, this variant is classified as LIKELY PATHOGENIC. Following criteria are met: 0104 - Mechanism of disease for this gene is dominant negative. 0110 - This gene is known to be associated with X-linked dominant disease. 0200 - Variant is predicted to result in a missense amino acid change from proline to leucine (exon 10). 0301 - Variant is absent from gnomAD. 0501 - Missense variant consistently predicted to be damaging by in-silico tools or highly conserved with a major amino acid change. 0600 - Variant is located in an annotated domain or motif that does not have a well established function (SMC proteins Flexible Hinge Domain; Uniprot). 0603 - Missense variant in a region that is highly intolerant to missense variation (constraint). 0704 - Comparable variant in relevant codon/region has low previous evidence for pathogenicity. A different variant in the same codon resulting in a change to a serine has been shown to cause Cornelia de Lange syndrome (PMID:31157197). 0807 - Variant has not previously been reported in a clinical context. 0905 - No published segregation evidence has been identified for this variant. 1007 - No published functional evidence has been identified for this variant. 1204 - De Novo Variant (Parental status not tested but assumed)

Literature cited by the submitters: PubMed 31157197.